The following is an entry in ClinVar:

NM_014967.5(FAN1):c.346T>A (p.Ser116Thr)

Gene: FAN1 (FANCD2 and FANCI associated nuclease 1; plus strand). Cytogenetic location: 15q13.3.
Variant type: single nucleotide variant.
Coding change: c.346T>A on transcript NM_014967.5 (MANE Select); coding-DNA position 346, T replaced by A.
Protein change: p.Ser116Thr; replaces serine 116 with threonine.
Molecular consequence: missense variant.
Genome position (GRCh38, 1-based): chr15:30,905,009, T>A. VCF-style: chr15-30905009-T-A. GRCh37 (hg19) VCF-style: chr15-31197212-T-A.
Other names: c.346T>A, p.Ser116Thr (NM_001146094.2, NM_001146095.1, NM_001146096.2); short protein forms S116T.
Identifiers: ClinVar variation 4883094 (VCV004883094.2).
Genomic context (GRCh38, chr15:30,905,009, plus strand): 5'-GATGTAACACCTAAGAAGTCACCACCACCAAAGACAAATTTAACCCCTGGCCAAAGTGAT[T>A]CAGCAAAAAGGGAAGTAAAGCAGAAGATCAGTCCCTACTTTAAAAGTAATGATGTGGTGT-3'
Protein context (NP_055782.3, residues 106-126): KTNLTPGQSD[Ser116Thr]AKREVKQKIS

ClinVar aggregate classification (germline): Uncertain significance (1 of 4 stars; one submission).

gnomAD v4.1: 9 of 1,613,898 alleles (0.00056%); highest among the groups gnomAD compares: Non-Finnish European, 0.00076%; no homozygotes.

Submission:

Dasa
Classification: Uncertain significance. Last evaluated: 2025-12-08. Review status: criteria provided, single submitter. Criteria: DASA Assertion Criteria. Collection method: clinical testing. Allele origin: germline.
Comment: NM_014967.5(FAN1):c.346T>A (p.Ser116Thr) is a missense variant that results in the substitution of serine with threonine. This variant is rare in population databases. The currently available literature and clinical evidence are not sufficient to establish a definitive association between this variant and the reported condition. Therefore, this variant is classified as a variant of uncertain significance.